The following is an entry in ClinVar:

ClinVar aggregate classification (germline): Pathogenic. Review status: criteria provided, multiple submitters, no conflicts (2 of 4 stars). 5 submissions from 5 submitters: Pathogenic (5). Last evaluated 2025-11-01.

Allele frequency attached by ClinVar (database versions not stated): gnomAD exomes below 0.00001.
gnomAD v4.1: 1 of 1,509,870 alleles (0.000066%); highest among the groups gnomAD compares: Non-Finnish European, 0.000091%; no homozygotes.

Submissions (5):

Labcorp Genetics (formerly Invitae), Labcorp
Classification: Pathogenic. Last evaluated: 2025-11-01. Review status: criteria provided, single submitter. Criteria: Invitae Variant Classification Sherloc (09022015). Collection method: clinical testing. Allele origin: germline.
Comment: This sequence change affects a donor splice site in intron 16 of the SLC4A1 gene. It is expected to disrupt RNA splicing. Variants that disrupt the donor or acceptor splice site typically lead to a loss of protein function (PMID: 16199547), and loss-of-function variants in SLC4A1 are known to be pathogenic (PMID: 8943874, 23255290). This variant is not present in population databases (gnomAD no frequency). Disruption of this splice site has been observed in individuals with clinical features of hereditary spherocytosis (PMID: 23255290, 31040790, 35107608). ClinVar contains an entry for this variant (Variation ID: 994390). Algorithms developed to predict the effect of sequence changes on RNA splicing suggest that this variant may disrupt the consensus splice site. For these reasons, this variant has been classified as Pathogenic.

Center for Genomic Medicine, Rigshospitalet, Copenhagen University Hospital
Classification: Pathogenic. Last evaluated: 2025-03-04. Review status: criteria provided, single submitter. Criteria: ACMG Guidelines, 2015. Collection method: clinical testing. Allele origin: germline.

Revvity Omics, Revvity
Classification: Pathogenic. Last evaluated: 2024-05-21. Review status: criteria provided, single submitter. Criteria: ACMG Guidelines, 2015. Collection method: clinical testing. Allele origin: germline.

Mayo Clinic Laboratories, Mayo Clinic
Classification: Pathogenic. Last evaluated: 2023-11-20. Review status: criteria provided, single submitter. Criteria: ACMG Guidelines, 2015. Collection method: clinical testing. Allele origin: germline. Observed: 1 variant allele.
Comment: PM2_moderate, PS4_moderate, PVS1

ARUP Laboratories, Molecular Genetics and Genomics, ARUP Laboratories
Classification: Pathogenic. Last evaluated: 2020-08-31. Review status: criteria provided, single submitter. Criteria: ARUP Molecular Germline Variant Investigation Process. Collection method: clinical testing. Allele origin: germline.

Literature cited by the submitters: PubMed 16199547 (cited by Labcorp Genetics (formerly Invitae), Labcorp); PubMed 8943874 (cited by Labcorp Genetics (formerly Invitae), Labcorp); PubMed 23255290 (cited by Labcorp Genetics (formerly Invitae), Labcorp and Mayo Clinic Laboratories, Mayo Clinic); PubMed 31040790 (cited by 3 submitters); PubMed 35107608 (cited by 3 submitters); PubMed 31723846 (cited by Mayo Clinic Laboratories, Mayo Clinic); PubMed 35845192 (cited by Mayo Clinic Laboratories, Mayo Clinic).

NM_000342.4(SLC4A1):c.2057+1G>A

Gene: SLC4A1 (solute carrier family 4 member 1 (Diego blood group); minus strand). Cytogenetic location: 17q21.31.
Variant type: single nucleotide variant.
Coding change: c.2057+1G>A on transcript NM_000342.4 (MANE Select); the canonical splice donor site of the intron after coding-DNA position 2057, G replaced by A.
Molecular consequence: splice donor variant.
Genome position (GRCh38, 1-based): chr17:44,254,495, C>T on the plus strand (G>A on the coding strand, the complement: SLC4A1 is on the minus strand). VCF-style: chr17-44254495-C-T. GRCh37 (hg19) VCF-style: chr17-42331863-C-T.
Other names: p.?.
Identifiers: ClinVar variation 994390 (VCV000994390.53), dbSNP rs2047371081, ClinGen allele CA399782515.